The following is an entry in ClinVar:

NM_001039362.2(ATP6V1C2):c.386C>T (p.Ala129Val)

Gene: ATP6V1C2 (ATPase H+ transporting V1 subunit C2; plus strand). Cytogenetic location: 2p25.1.
Variant type: single nucleotide variant.
Coding change: c.386C>T on transcript NM_001039362.2 (MANE Select); coding-DNA position 386, C replaced by T.
Protein change: p.Ala129Val; replaces alanine 129 with valine.
Molecular consequence: missense variant.
Genome position (GRCh38, 1-based): chr2:10,768,726, C>T. VCF-style: chr2-10768726-C-T. GRCh37 (hg19) VCF-style: chr2-10908852-C-T.
Other names: c.416C>T, p.Ala139Val (NM_001410707.1); c.386C>T, p.Ala129Val (NM_144583.4); short protein forms A129V, A139V.
Identifiers: ClinVar variation 2349778 (VCV002349778.27), dbSNP rs371007689, ClinGen allele CA1527891.
Genomic context (GRCh38, chr2:10,768,726, plus strand): 5'-GCCAACTCCTTCAATGCTCAGGGTCACCTGGAGCTTTTGCTTTCCCAAAACAGCAACTGG[C>T]GCAGATCGAGATGGACCTGAAGTCCCGAACGGCCGCCTACAACACTCTGAAGACAAACCT-3'
Protein context (NP_001034451.1, residues 119-139): SVVDTIAKQL[Ala129Val]QIEMDLKSRT

ClinVar aggregate classification (germline): Conflicting classifications of pathogenicity. Review status: criteria provided, conflicting classifications (1 of 4 stars). 2 submissions from 2 submitters: Uncertain significance (1); Likely benign (1). Last evaluated 2024-12-10.

Allele frequency attached by ClinVar (database versions not stated): ESP Exome Variant Server 0.00008; gnomAD 0.00010; TOPMed 0.00014; gnomAD exomes 0.00015; ExAC 0.00016.
gnomAD v4.1: 235 of 1,613,950 alleles (0.015%); highest among the groups gnomAD compares: Middle Eastern, 0.083%; 1 homozygote.

Submissions (2):

Ambry Genetics
Classification: Uncertain significance. Last evaluated: 2024-12-10. Review status: criteria provided, single submitter. Criteria: Ambry Variant Classification Scheme 2023. Collection method: clinical testing. Allele origin: germline.

CeGaT Center for Human Genetics Tuebingen
Classification: Likely benign. Last evaluated: 2022-09-01. Review status: criteria provided, single submitter. Criteria: CeGaT Center For Human Genetics Tuebingen Variant Classification Criteria Version 2. Collection method: clinical testing. Allele origin: germline. Affected: yes. Observed: 1 variant allele.
Comment: ATP6V1C2: BP4